The following is an entry in ClinVar:

ClinVar aggregate classification (germline): Uncertain significance (1 of 4 stars; one submission).

Conditions:
Mendelian susceptibility to mycobacterial diseases due to complete IL12RB1 deficiency. Also called: IL12RB1 DEFICIENCY; Immunodeficiency 30. Identifiers: Orphanet 319552, MedGen C4013949, MONDO:0013955, OMIM 614891.

Submission:

Labcorp Genetics (formerly Invitae), Labcorp
Classification: Uncertain significance for Mendelian susceptibility to mycobacterial diseases due to complete IL12RB1 deficiency. Last evaluated: 2021-12-24. Review status: criteria provided, single submitter. Criteria: Invitae Variant Classification Sherloc (09022015). Collection method: clinical testing. Allele origin: germline.
Comment: In summary, the available evidence is currently insufficient to determine the role of this variant in disease. Therefore, it has been classified as a Variant of Uncertain Significance. This sequence change replaces tyrosine, which is neutral and polar, with histidine, which is basic and polar, at codon 415 of the IL12RB1 protein (p.Tyr415His). This variant is not present in population databases (gnomAD no frequency). This variant has not been reported in the literature in individuals affected with IL12RB1-related conditions. Algorithms developed to predict the effect of missense changes on protein structure and function output the following: SIFT: "Tolerated"; PolyPhen-2: "Benign"; Align-GVGD: "Class C0". The histidine amino acid residue is found in multiple mammalian species, which suggests that this missense change does not adversely affect protein function.

NM_005535.3(IL12RB1):c.1243T>C (p.Tyr415His)

Gene: IL12RB1 (interleukin 12 receptor subunit beta 1; minus strand). Cytogenetic location: 19p13.11.
Variant type: single nucleotide variant.
Coding change: c.1243T>C on transcript NM_005535.3 (MANE Select); coding-DNA position 1243, T replaced by C.
Protein change: p.Tyr415His; replaces tyrosine 415 with histidine.
Molecular consequence: missense variant.
Genome position (GRCh38, 1-based): chr19:18,068,473, A>G on the plus strand (T>C on the coding strand, the complement: IL12RB1 is on the minus strand). VCF-style: chr19-18068473-A-G. GRCh37 (hg19) VCF-style: chr19-18179283-A-G.
Other names: c.1243T>C, p.Tyr415His (NM_001290023.2); c.1363T>C, p.Tyr455His (NM_001290024.2); short protein forms Y455H, Y415H.
Identifiers: ClinVar variation 2056879 (VCV002056879.4), dbSNP rs2515048682, ClinGen allele CA404777673.